The following is an entry in ClinVar:

NM_000782.5(CYP24A1):c.1410dup (p.Gln471fs)

Gene: CYP24A1 (cytochrome P450 family 24 subfamily A member 1; minus strand). Cytogenetic location: 20q13.2.
Variant type: Duplication.
Coding change: c.1410dup on transcript NM_000782.5 (MANE Select); coding-DNA position 1410, one base duplicated (T; older notation c.1410dupT).
Protein change: p.Gln471fs; shifts the reading frame from glutamine 471.
Molecular consequence: frameshift variant. On other transcripts: intron variant (3).
Genome position (GRCh38, 1-based): chr20:54,157,412, A duplicated on the plus strand (T on the coding strand, the reverse complement: CYP24A1 is on the minus strand); the first of 2 consecutive A bases (chr20:54,157,412-54,157,413); duplicating either gives the same sequence. VCF-style (leftmost placement, unchanged base first): chr20-54157411-G-GA. GRCh37 (hg19) VCF-style: chr20-52773950-G-GA.
Other names: c.1410dup, p.Gln471fs (NM_001424340.1, NM_001424341.1); c.1237-123dup (NM_001128915.2, NM_001424343.1, NM_001424342.1); short protein forms Q471fs.
Identifiers: ClinVar variation 4294430 (VCV004294430.1).

ClinVar aggregate classification (germline): Pathogenic (1 of 4 stars; one submission).

Conditions:
Hypercalcemia, infantile, 1 (HCINF1). Identifiers: Orphanet 300547, MedGen CN031131, MONDO:0020739, OMIM 143880.

Submission:

Molecular Genetics Department, Kulakov National Medical Research Center for Obstetrics, Gynecology and Perinatology
Classification: Pathogenic for Hypercalcemia, infantile, 1. Review status: criteria provided, single submitter. Criteria: ACMG Guidelines, 2015. Collection method: clinical testing. Allele origin: germline. Affected: yes. Observed: 1 variant allele.
Comment: A previously undescribed heterozygous nucleotide variant creates a frameshift p.Gln471SerfsTer21 in the CYP24A1 gene. Homozygous and compound heterozygous variants are reported in patients with hypercalcemia, infantile, 1, 143880. The variant frequency in population database gnomAD is 0.00048%. The variant was found in trans position with the CYP24A1 variant (NM_000782.5:c.1186C>T). In summary, this variant has been classified as pathogenic.